The following is an entry in ClinVar:

NM_001080421.3(UNC13A):c.4995C>G (p.Gly1665=)

Gene: UNC13A (unc-13 homolog A; minus strand). Cytogenetic location: 19p13.11.
Variant type: single nucleotide variant.
Coding change: c.4995C>G on transcript NM_001080421.3 (MANE Select); coding-DNA position 4995, C replaced by G.
Protein change: p.Gly1665=; no amino-acid change (glycine 1665 retained).
Molecular consequence: synonymous variant.
Genome position (GRCh38, 1-based): chr19:17,606,171, G>C on the plus strand (C>G on the coding strand, the complement: UNC13A is on the minus strand). VCF-style: chr19-17606171-G-C. GRCh37 (hg19) VCF-style: chr19-17716980-G-C.
Other names: c.4983C>G, p.Gly1661= (NM_001387021.1); c.4980C>G, p.Gly1660= (NM_001387022.1); c.4914C>G, p.Gly1638= (NM_001387023.1).
Identifiers: ClinVar variation 4982602 (VCV004982602.1).

ClinVar aggregate classification (germline): Likely benign (1 of 4 stars; one submission).

Conditions:
UNC13A-related disorder. Also called: UNC13A-related condition.

Submission:

PreventionGenetics, part of Exact Sciences
Classification: Likely benign for UNC13A-related condition. Last evaluated: 2025-02-13. Review status: criteria provided, single submitter. Criteria: ACMG Guidelines, 2015. Collection method: clinical testing. Allele origin: germline.
Comment: This variant is classified as likely benign based on ACMG/AMP sequence variant interpretation guidelines (Richards et al. 2015 PMID: 25741868, with internal and published modifications).